The following is an entry in ClinVar:

ClinVar aggregate classification (germline): Uncertain significance (1 of 4 stars; one submission).

Allele frequency attached by ClinVar (database versions not stated): gnomAD 0.00003.
gnomAD v4.1: 26 of 1,581,562 alleles (0.0016%); highest among the groups gnomAD compares: Non-Finnish European, 0.001%; no homozygotes.

Submission:

Labcorp Genetics (formerly Invitae), Labcorp
Classification: Uncertain significance. Last evaluated: 2024-10-22. Review status: criteria provided, single submitter. Criteria: Invitae Variant Classification Sherloc (09022015). Collection method: clinical testing. Allele origin: germline.
Comment: This sequence change replaces isoleucine, which is neutral and non-polar, with phenylalanine, which is neutral and non-polar, at codon 1199 of the MYO18B protein (p.Ile1199Phe). This variant is present in population databases (rs747086507, gnomAD 0.02%). This variant has not been reported in the literature in individuals affected with MYO18B-related conditions. ClinVar contains an entry for this variant (Variation ID: 1956162). An algorithm developed to predict the effect of missense changes on protein structure and function (PolyPhen-2) suggests that this variant is likely to be disruptive. In summary, the available evidence is currently insufficient to determine the role of this variant in disease. Therefore, it has been classified as a Variant of Uncertain Significance.

NM_032608.7(MYO18B):c.3595A>T (p.Ile1199Phe)

Gene: MYO18B (myosin XVIIIB; plus strand). Cytogenetic location: 22q12.1.
Variant type: single nucleotide variant.
Coding change: c.3595A>T on transcript NM_032608.7 (MANE Select); coding-DNA position 3595, A replaced by T.
Protein change: p.Ile1199Phe; replaces isoleucine 1199 with phenylalanine.
Molecular consequence: missense variant.
Genome position (GRCh38, 1-based): chr22:25,847,472, A>T. VCF-style: chr22-25847472-A-T. GRCh37 (hg19) VCF-style: chr22-26243439-A-T.
Other names: c.3598A>T, p.Ile1200Phe (NM_001318245.2); short protein forms I1199F, I1200F.
Identifiers: ClinVar variation 1956162 (VCV001956162.4), dbSNP rs747086507, ClinGen allele CA10160612.